The following is an entry in ClinVar:

ClinVar aggregate classification (germline): Uncertain significance. Review status: criteria provided, single submitter (1 of 4 stars). 2 submissions from 2 submitters: Uncertain significance (1). 1 of the submissions does not count toward it. Last evaluated 2024-08-12.

Conditions:
GAS8-related disorder. Also called: GAS8-related condition.
Primary ciliary dyskinesia 33. Also called: CILIARY DYSKINESIA, PRIMARY, 33, WITHOUT SITUS INVERSUS. Identifiers: Orphanet 244, MedGen C4225230, MONDO:0014750, OMIM 616726.

Allele frequency attached by ClinVar (database versions not stated): 1000 Genomes Project 30x 0.00016; ExAC 0.00019; 1000 Genomes Project 0.00020.
gnomAD v4.1: 120 of 1,613,086 alleles (0.0074%); highest among the groups gnomAD compares: South Asian, 0.12%; no homozygotes.

Submissions (2):

Labcorp Genetics (formerly Invitae), Labcorp
Classification: Uncertain significance for Primary ciliary dyskinesia 33. Last evaluated: 2024-08-12. Review status: criteria provided, single submitter. Criteria: Invitae Variant Classification Sherloc (09022015). Collection method: clinical testing. Allele origin: germline.
Comment: This sequence change replaces leucine, which is neutral and non-polar, with valine, which is neutral and non-polar, at codon 54 of the GAS8 protein (p.Leu54Val). This variant is present in population databases (rs554823555, gnomAD 0.2%). This variant has not been reported in the literature in individuals affected with GAS8-related conditions. ClinVar contains an entry for this variant (Variation ID: 2053721). Advanced modeling of protein sequence and biophysical properties (such as structural, functional, and spatial information, amino acid conservation, physicochemical variation, residue mobility, and thermodynamic stability) performed at Invitae indicates that this missense variant is not expected to disrupt GAS8 protein function with a negative predictive value of 80%. In summary, the available evidence is currently insufficient to determine the role of this variant in disease. Therefore, it has been classified as a Variant of Uncertain Significance.

PreventionGenetics, part of Exact Sciences
Classification: Likely benign for GAS8-related condition. Last evaluated: 2023-08-30. Review status: no assertion criteria provided. Collection method: clinical testing. Allele origin: germline. Not counted in ClinVar's aggregate classification.
Comment: This variant is classified as likely benign based on ACMG/AMP sequence variant interpretation guidelines (Richards et al. 2015 PMID: 25741868, with internal and published modifications).

NM_001481.3(DRC4):c.160C>G (p.Leu54Val)

Gene: DRC4 (dynein regulatory complex subunit 4; plus strand). Cytogenetic location: 16q24.3.
Variant type: single nucleotide variant.
Coding change: c.160C>G on transcript NM_001481.3 (MANE Select); coding-DNA position 160, C replaced by G.
Protein change: p.Leu54Val; replaces leucine 54 with valine.
Molecular consequence: missense variant. On other transcripts: 5 prime UTR variant (2).
Genome position (GRCh38, 1-based): chr16:90,031,368, C>G. VCF-style: chr16-90031368-C-G. GRCh37 (hg19) VCF-style: chr16-90097776-C-G.
Other names: c.-90C>G (NM_001286205.2); c.-362C>G (NM_001286208.2); c.85C>G, p.Leu29Val (NM_001286209.2); c.160C>G (NM_001481.2); short protein forms L29V, L54V.
Identifiers: ClinVar variation 2053721 (VCV002053721.5), dbSNP rs554823555, ClinGen allele CA8257701.